The following is an entry in ClinVar:

ClinVar aggregate classification (germline): Benign/Likely benign. Review status: criteria provided, multiple submitters, no conflicts (2 of 4 stars). 25 submissions from 25 submitters: Benign (6); Likely benign (10). 9 of the submissions do not count toward it. Last evaluated 2026-06-01.

Conditions:
Breast-ovarian cancer, familial, susceptibility to, 5 (BROVCA5). Identifiers: MedGen C5830615, MONDO:0957530, OMIM 620442.
Familial cancer of breast. Also called: Hereditary breast cancer; hereditary breast carcinoma; BREAST CANCER, FAMILIAL. Identifiers: Orphanet 227535, MedGen C0346153, MONDO:0016419, OMIM 114480. Disease mechanism: loss of function.
Fanconi anemia complementation group N. Also called: PALB2-Related Fanconi Anemia. Identifiers: Orphanet 84, MedGen C1835817, MONDO:0012565, OMIM 610832. Disease mechanism: loss of function.
Pancreatic cancer, susceptibility to, 3. Identifiers: Orphanet 1333, MedGen C3150547, MONDO:0013236, OMIM 613348.
Hereditary cancer-predisposing syndrome. Also called: Tumor predisposition; Hereditary neoplastic syndrome; Neoplastic Syndromes, Hereditary; Hereditary Cancer Syndrome. Identifiers: Orphanet 140162, MedGen C0027672, MeSH D009386, MONDO:0015356.
Malignant tumor of breast. Also called: Malignant breast neoplasm; Cancer breast. Identifiers: MedGen C0006142, MONDO:0007254. Disease mechanism: loss of function.

Allele frequency attached by ClinVar (database versions not stated): gnomAD 0.00017 and 0.00019; gnomAD exomes 0.00018 and 0.00029; ExAC 0.00025; TOPMed 0.00027; 1000 Genomes Project 0.00060; ESP Exome Variant Server 0.00062; 1000 Genomes Project 30x 0.00078.
gnomAD v4.1: 315 of 1,614,106 alleles (0.02%); highest among the groups gnomAD compares: Middle Eastern, 0.56%; 2 homozygotes.

Submissions (25):

CeGaT Center for Human Genetics Tuebingen
Classification: Likely benign. Last evaluated: 2026-06-01. Review status: criteria provided, single submitter. Criteria: CeGaT Center For Human Genetics Tuebingen Variant Classification Criteria Version 2. Collection method: clinical testing. Allele origin: germline. Affected: yes. Observed: 11 variant alleles.
Comment: PALB2: BP4, BS1

Labcorp Genetics (formerly Invitae), Labcorp
Classification: Benign for Familial cancer of breast. Last evaluated: 2026-02-03. Review status: criteria provided, single submitter. Criteria: Invitae Variant Classification Sherloc (09022015). Collection method: clinical testing. Allele origin: germline.

Quest Diagnostics Nichols Institute San Juan Capistrano
Classification: Benign. Last evaluated: 2025-05-05. Review status: criteria provided, single submitter. Criteria: Quest Diagnostics criteria. Collection method: clinical testing. Allele origin: unknown.

Center for Genomic Medicine, Rigshospitalet, Copenhagen University Hospital
Classification: Likely benign. Last evaluated: 2025-03-04. Review status: criteria provided, single submitter. Criteria: ACMG Guidelines, 2015. Collection method: clinical testing. Allele origin: germline.

Blueprint Genetics
Classification: Likely benign. Last evaluated: 2024-11-07. Review status: criteria provided, single submitter. Criteria: ACMG Guidelines, 2015. Collection method: clinical testing. Allele origin: germline.

Hereditary Cancer Laboratory, Hospital Universitario 12 de Octubre
Classification: Likely benign for Hereditary cancer-predisposing syndrome. Last evaluated: 2024-06-27. Review status: criteria provided, single submitter. Criteria: ACMG Guidelines, 2015. Collection method: clinical testing. Allele origin: germline.
Comment: PM2+BP4+BP6mod

KCCC/NGS Laboratory, Kuwait Cancer Control Center
Classification: Benign for Breast-ovarian cancer, familial, susceptibility to, 5. Last evaluated: 2023-07-07. Review status: criteria provided, single submitter. Criteria: ACMG Guidelines, 2015. Collection method: clinical testing. Allele origin: germline. Affected: yes.

Myriad Genetics, Inc.
Classification: Benign for Familial cancer of breast. Last evaluated: 2023-03-31. Review status: criteria provided, single submitter. Criteria: Myriad Autosomal Dominant, Autosomal Recessive and X-Linked Classification Criteria (2023). Collection method: clinical testing. Allele origin: unknown.
Comment: This variant is considered benign. This variant is strongly associated with less severe personal and family histories of cancer, typical for individuals without pathogenic variants in this gene [PMID: 25085752]. Homozygosity for this variant has been confirmed in one or more individuals lacking clinical features consistent with gene-specific recessive disease, indicating that this variant is unlikely to be pathogenic.

Fulgent Genetics
Classification: Likely benign for Familial cancer of breast; Fanconi anemia complementation group N; Pancreatic cancer, susceptibility to, 3. Last evaluated: 2021-10-06. Review status: criteria provided, single submitter. Criteria: ACMG Guidelines, 2015. Collection method: clinical testing. Allele origin: unknown.

Sema4
Classification: Benign for Hereditary cancer-predisposing syndrome. Last evaluated: 2020-07-07. Review status: criteria provided, single submitter. Criteria: Sema4 Curation Guidelines. Collection method: curation. Allele origin: germline.

Mendelics
Classification: Likely benign for Familial cancer of breast. Last evaluated: 2019-05-28. Review status: criteria provided, single submitter. Criteria: Mendelics Assertion Criteria 2017. Collection method: clinical testing. Allele origin: unknown.

GeneDx
Classification: Likely benign. Last evaluated: 2017-12-12. Review status: criteria provided, single submitter. Criteria: GeneDx Variant Classification (06012015). Collection method: clinical testing. Allele origin: germline. Affected: yes.
Comment: This variant is considered likely benign or benign based on one or more of the following criteria: it is a conservative change, it occurs at a poorly conserved position in the protein, it is predicted to be benign by multiple in silico algorithms, and/or has population frequency not consistent with disease.

Illumina Laboratory Services, Illumina
Classification: Likely benign for Fanconi anemia complementation group N. Last evaluated: 2017-04-27. Review status: criteria provided, single submitter. Criteria: ICSL Variant Classification Criteria 13 December 2019. Collection method: clinical testing. Allele origin: germline.
Comment: This variant was observed as part of a predisposition screen in an ostensibly healthy population. A literature search was performed for the gene, cDNA change, and amino acid change (where applicable). No publications were found based on this search. Allele frequency data from public databases allowed determination this variant is unlikely to cause disease. Therefore, this variant is classified as likely benign.

Cancer Genetics Laboratory, Peter MacCallum Cancer Centre
Classification: Likely benign for Familial cancer of breast. Last evaluated: 2015-06-01. Review status: criteria provided, single submitter. Criteria: Thompson et al. (Breast Cancer Res. 2015). Collection method: case-control. Allele origin: germline. Affected: no. Observed: 1 variant allele, 1 heterozygote.

Ambry Genetics
Classification: Benign for Hereditary cancer-predisposing syndrome. Last evaluated: 2015-01-19. Review status: criteria provided, single submitter. Criteria: Ambry Variant Classification Scheme 2023. Collection method: clinical testing. Allele origin: germline.

Color Diagnostics, LLC DBA Color Health
Classification: Likely benign for Hereditary cancer-predisposing syndrome. Last evaluated: 2014-12-05. Review status: criteria provided, single submitter. Criteria: ACMG Guidelines, 2015. Collection method: clinical testing. Allele origin: germline.

Institute for Biomarker Research, Medical Diagnostic Laboratories, L.L.C.
Classification: Likely benign for Hereditary cancer-predisposing syndrome. Last evaluated: 2022-03-22. Review status: no assertion criteria provided. Collection method: clinical testing. Allele origin: germline. Not counted in ClinVar's aggregate classification.

Leiden Open Variation Database
Classification: Likely benign. Last evaluated: 2019-05-13. Review status: no assertion criteria provided. Collection method: curation. Allele origin: germline. Affected: yes. Not counted in ClinVar's aggregate classification.
Comment: Curators: Marc Tischkowitz, Arleen D. Auerbach. Submitter to LOVD: Marc Tischkowitz.

True Health Diagnostics
Classification: Likely benign for Hereditary cancer-predisposing syndrome. Last evaluated: 2018-01-30. Review status: no assertion criteria provided. Collection method: clinical testing. Allele origin: germline. Not counted in ClinVar's aggregate classification.

Counsyl
Classification: Likely benign for Familial cancer of breast. Last evaluated: 2017-08-11. Review status: no assertion criteria provided. Collection method: clinical testing. Allele origin: unknown. Not counted in ClinVar's aggregate classification.

Clinical Genetics Laboratory, Department of Pathology, Netherlands Cancer Institute
Classification: Likely benign. Review status: no assertion criteria provided. Collection method: clinical testing. Allele origin: germline. Affected: yes. Study: VKGL Data-share Consensus. Not counted in ClinVar's aggregate classification.

Department of Pathology and Laboratory Medicine, Sinai Health System
Classification: Benign for Malignant tumor of breast. Review status: no assertion criteria provided. Collection method: clinical testing. Allele origin: unknown. Affected: yes. Study: The Canadian Open Genetics Repository (COGR). Not counted in ClinVar's aggregate classification.
Comment: The PALB2 p.Ala712Val variant was identified in 11 of 13046 proband chromosomes (frequency: 0.0008) from Jewish, Polish, German, Australian, and North American individuals or families with high-risk or familial breast, ovarian, or pancreatic cancer or Lynch syndrome and was identified in 2 of 5548 chromosomes (frequency: 0.0004) from healthy individuals (Catucci 2012, Dansonka-Mieszkowska 2010, Hellebrand 2011, Thompson 2015, Tischkowitz 2012, Yurgelun 2015, Zhen 2015). The variant was also identified in dbSNP (ID: rs141458731) â€šÃ„ÃºWith other alleleâ€šÃ„Ã¹, ClinVar (classified benign by Ambry Genetics and Invitae; and as likely benign by GeneDx and four other submitters), and LOVD 3.0 (1x). The variant was observed in control databases in 76 (1 homozygous) of 277240 chromosomes at a frequency of 0.0003 (Genome Aggregation Database Feb 27, 2017). The variant was observed in the following populations: Other in 10 of 6466 chromosomes (1 homozygous, freq: 0.002), Latino in 12 of 34420 chromosomes (freq: 0.0003), European in 36 of 126726 chromosomes (freq: 0.0003), Ashkenazi Jewish in 12 of 10152 chromosomes (freq: 0.001), and South Asian in 6 of 30782 chromosomes (freq: 0.0002); it was not observed in the African, East Asian, or Finnish populations. The variant was not identified in Cosmic, MutDB, or the Zhejiang Colon Cancer Database. The p.Ala712 residue is not conserved in mammals and computational analyses (PolyPhen-2, SIFT, AlignGVGD, BLOSUM, MutationTaster) do not suggest a high likelihood that the variant impacts the protein; however, this information is not predictive enough to rule out pathogenicity. The variant occurs outside of the splicing consensus sequence and in silico or computational prediction software programs (SpliceSiteFinder, MaxEntScan, NNSPLICE, GeneSplicer, HumanSpliceFinder) do not predict a difference in splicing. In summary, based on the above information this variant meets our laboratory's criteria to be classified as benign.

Diagnostic Laboratory, Department of Genetics, University Medical Center Groningen
Classification: Likely benign. Review status: no assertion criteria provided. Collection method: clinical testing. Allele origin: germline. Affected: yes. Study: VKGL Data-share Consensus. Not counted in ClinVar's aggregate classification.

Genome Diagnostics Laboratory, Amsterdam University Medical Center
Classification: Likely benign. Review status: no assertion criteria provided. Collection method: clinical testing. Allele origin: germline. Affected: yes. Study: VKGL Data-share Consensus. Not counted in ClinVar's aggregate classification.

Joint Genome Diagnostic Labs from Nijmegen and Maastricht, Radboudumc and MUMC+
Classification: Likely benign. Review status: no assertion criteria provided. Collection method: clinical testing. Allele origin: germline. Affected: yes. Study: VKGL Data-share Consensus. Not counted in ClinVar's aggregate classification.

Literature cited by the submitters: PubMed 26283626 (cited by Quest Diagnostics Nichols Institute San Juan Capistrano and Counsyl); PubMed 25356972 (cited by 3 submitters); PubMed 25980754 (cited by 3 submitters); PubMed 20589654 (cited by Quest Diagnostics Nichols Institute San Juan Capistrano); PubMed 28051113 (cited by Quest Diagnostics Nichols Institute San Juan Capistrano); PubMed 30995915 (cited by Quest Diagnostics Nichols Institute San Juan Capistrano); PubMed 26315354 (cited by Quest Diagnostics Nichols Institute San Juan Capistrano and Counsyl); PubMed 29052111 (cited by Quest Diagnostics Nichols Institute San Juan Capistrano and Center for Genomic Medicine, Rigshospitalet, Copenhagen University Hospital); PubMed 33471991 (cited by Quest Diagnostics Nichols Institute San Juan Capistrano); PubMed 35264596 (cited by Quest Diagnostics Nichols Institute San Juan Capistrano); PubMed 33964450 (cited by Quest Diagnostics Nichols Institute San Juan Capistrano); PubMed 20122277 (cited by 4 submitters); PubMed 22692731 (cited by Quest Diagnostics Nichols Institute San Juan Capistrano and Leiden Open Variation Database); PubMed 22241545 (cited by 3 submitters); PubMed 21618343 (cited by Quest Diagnostics Nichols Institute San Juan Capistrano and Counsyl); PubMed 25085752 (cited by Myriad Genetics, Inc.).

NM_024675.4(PALB2):c.2135C>T (p.Ala712Val)

Gene: PALB2 (partner and localizer of BRCA2; minus strand). Cytogenetic location: 16p12.2.
Variant type: single nucleotide variant.
Coding change: c.2135C>T on transcript NM_024675.4 (MANE Select); coding-DNA position 2135, C replaced by T.
Protein change: p.Ala712Val; replaces alanine 712 with valine.
Molecular consequence: missense variant.
Genome position (GRCh38, 1-based): chr16:23,630,019, G>A on the plus strand (C>T on the coding strand, the complement: PALB2 is on the minus strand). VCF-style: chr16-23630019-G-A. GRCh37 (hg19) VCF-style: chr16-23641340-G-A.
Other names: p.A712V:GCG>GTG; short protein forms A712V.
Identifiers: ClinVar variation 126637 (VCV000126637.73), dbSNP rs141458731, ClinGen allele CA288432.